The following is an entry in ClinVar:

NM_201550.4(LRRC10):c.575T>G (p.Leu192Arg)

Gene: LRRC10 (leucine rich repeat containing 10; minus strand). Cytogenetic location: 12q15.
Variant type: single nucleotide variant.
Coding change: c.575T>G on transcript NM_201550.4 (MANE Select); coding-DNA position 575, T replaced by G.
Protein change: p.Leu192Arg; replaces leucine 192 with arginine.
Molecular consequence: missense variant.
Genome position (GRCh38, 1-based): chr12:69,610,264, A>C on the plus strand (T>G on the coding strand, the complement: LRRC10 is on the minus strand). VCF-style: chr12-69610264-A-C. GRCh37 (hg19) VCF-style: chr12-70004044-A-C.
Other names: c.575T>G (NM_201550.2); short protein forms L192R.
Identifiers: ClinVar variation 1450803 (VCV001450803.8), dbSNP rs140945419, ClinGen allele CA6681040.
Genomic context (GRCh38, chr12:69,610,264, plus strand): 5'-GACAGGTGCGCCAGGCTGGGGAAGTAACGGATGCTGTTCCAGTCCACATCAATCACCTCC[A>C]GGAAGGGCATGTGAAGCAGCACAGTGGGAAAGTCAGTTAGCCGGTTGCCCGAGAGCCAGA-3'
Protein context (NP_963844.2, residues 182-202): FPTVLLHMPF[Leu192Arg]EVIDVDWNSI

ClinVar aggregate classification (germline): Uncertain significance. Review status: criteria provided, multiple submitters, no conflicts (2 of 4 stars). 2 submissions from 2 submitters: Uncertain significance (2). Last evaluated 2025-11-25.

Allele frequency attached by ClinVar (database versions not stated): gnomAD exomes 0.00001; 1000 Genomes Project 0.00020; ExAC 0.00001; TOPMed 0.00006; gnomAD 0.00005; 1000 Genomes Project 30x 0.00016.
gnomAD v4.1: 22 of 1,614,116 alleles (0.0014%); highest among the groups gnomAD compares: African/African-American, 0.029%; no homozygotes.

Submissions (2):

Labcorp Genetics (formerly Invitae), Labcorp
Classification: Uncertain significance. Last evaluated: 2025-11-25. Review status: criteria provided, single submitter. Criteria: Invitae Variant Classification Sherloc (09022015). Collection method: clinical testing. Allele origin: germline.
Comment: This sequence change replaces leucine, which is neutral and non-polar, with arginine, which is basic and polar, at codon 192 of the LRRC10 protein (p.Leu192Arg). This variant is present in population databases (rs140945419, gnomAD 0.008%). This variant has not been reported in the literature in individuals affected with LRRC10-related conditions. ClinVar contains an entry for this variant (Variation ID: 1450803). An algorithm developed to predict the effect of missense changes on protein structure and function (PolyPhen-2) suggests that this variant is likely to be disruptive. In summary, the available evidence is currently insufficient to determine the role of this variant in disease. Therefore, it has been classified as a Variant of Uncertain Significance.

Ambry Genetics
Classification: Uncertain significance. Last evaluated: 2025-08-29. Review status: criteria provided, single submitter. Criteria: Ambry Variant Classification Scheme 2023. Collection method: clinical testing. Allele origin: germline.